The following is an entry in ClinVar:

NM_016194.4(GNB5):c.755A>G (p.Asn252Ser)

Gene: GNB5 (G protein subunit beta 5; minus strand). Cytogenetic location: 15q21.2.
Variant type: single nucleotide variant.
Coding change: c.755A>G on transcript NM_016194.4 (MANE Select); coding-DNA position 755, A replaced by G.
Protein change: p.Asn252Ser; replaces asparagine 252 with serine.
Molecular consequence: missense variant.
Genome position (GRCh38, 1-based): chr15:52,135,629, T>C on the plus strand (A>G on the coding strand, the complement: GNB5 is on the minus strand). VCF-style: chr15-52135629-T-C. GRCh37 (hg19) VCF-style: chr15-52427826-T-C.
Other names: c.473A>G, p.Asn158Ser (NM_001379343.1); c.629A>G, p.Asn210Ser (NM_006578.4); short protein forms N158S, N210S, N252S.
Identifiers: ClinVar variation 1254155 (VCV001254155.6), dbSNP rs551515707, ClinGen allele CA7565668.

ClinVar aggregate classification (germline): Conflicting classifications of pathogenicity. Review status: criteria provided, conflicting classifications (1 of 4 stars). 3 submissions from 3 submitters: Uncertain significance (2); Likely benign (1). Last evaluated 2026-09-01.

Allele frequency attached by ClinVar (database versions not stated): gnomAD 0.00007 and 0.00008; 1000 Genomes Project 30x 0.00047; TOPMed 0.00008; gnomAD exomes 0.00020 and 0.00024; ExAC 0.00028; 1000 Genomes Project 0.00040.
gnomAD v4.1: 324 of 1,613,700 alleles (0.02%); highest among the groups gnomAD compares: Middle Eastern, 0.74%; 3 homozygotes.

Submissions (3):

CeGaT Center for Human Genetics Tuebingen
Classification: Likely benign. Last evaluated: 2026-09-01. Review status: criteria provided, single submitter. Criteria: CeGaT Center For Human Genetics Tuebingen Variant Classification Criteria Version 2. Collection method: clinical testing. Allele origin: germline. Affected: yes. Observed: 1 variant allele.
Comment: GNB5: BS2

GeneDx
Classification: Uncertain significance. Last evaluated: 2026-07-14. Review status: criteria provided, single submitter. Criteria: GeneDx Variant Classification Process June 2021. Collection method: clinical testing. Allele origin: germline.
Comment: In silico analysis supports that this missense variant has a deleterious effect on protein structure/function; Has not been previously published as pathogenic or benign to our knowledge

Breakthrough Genomics
Classification: Uncertain significance. Review status: criteria provided, single submitter. Criteria: ACMG Guidelines, 2015. Collection method: not provided. Allele origin: germline. Inheritance: Autosomal recessive inheritance. Affected: yes.